The following is an entry in ClinVar:

ClinVar aggregate classification (germline): Uncertain significance (1 of 4 stars; one submission).

Conditions:
Charcot-Marie-Tooth disease type 4. Also called: Charcot-Marie-Tooth disease, type IV; Charcot-Marie-Tooth, Type 4. Identifiers: Orphanet 64749, MedGen C4082197, MONDO:0018995.

Allele frequency attached by ClinVar (database versions not stated): TOPMed below 0.00001.

Submission:

Labcorp Genetics (formerly Invitae), Labcorp
Classification: Uncertain significance for Charcot-Marie-Tooth disease type 4. Last evaluated: 2022-04-08. Review status: criteria provided, single submitter. Criteria: Invitae Variant Classification Sherloc (09022015). Collection method: clinical testing. Allele origin: germline.
Comment: In summary, the available evidence is currently insufficient to determine the role of this variant in disease. Therefore, it has been classified as a Variant of Uncertain Significance. Algorithms developed to predict the effect of missense changes on protein structure and function are either unavailable or do not agree on the potential impact of this missense change (SIFT: "Deleterious"; PolyPhen-2: "Possibly Damaging"; Align-GVGD: "Class C0"). This variant has not been reported in the literature in individuals affected with SBF2-related conditions. This variant is not present in population databases (gnomAD no frequency). This sequence change replaces serine, which is neutral and polar, with tyrosine, which is neutral and polar, at codon 1131 of the SBF2 protein (p.Ser1131Tyr).

NM_030962.4(SBF2):c.3392C>A (p.Ser1131Tyr)

Genes: SBF2 (SET binding factor 2; minus strand), LOC101928008 (uncharacterized LOC101928008; plus strand). Cytogenetic location: 11p15.4.
Variant type: single nucleotide variant.
Coding change: c.3392C>A on transcript NM_030962.4 (MANE Select); coding-DNA position 3392, C replaced by A.
Protein change: p.Ser1131Tyr; replaces serine 1131 with tyrosine.
Molecular consequence: missense variant.
Genome position (GRCh38, 1-based): chr11:9,839,561, G>T on the plus strand (C>A on the coding strand, the complement: SBF2 is on the minus strand). VCF-style: chr11-9839561-G-T. GRCh37 (hg19) VCF-style: chr11-9861108-G-T.
Other names: c.3392C>A, p.Ser1131Tyr (NM_001386339.1); c.3263C>A, p.Ser1088Tyr (NM_001386342.1); short protein forms S1088Y, S1131Y.
Identifiers: ClinVar variation 1965166 (VCV001965166.3), dbSNP rs1400827524, ClinGen allele CA379628538.
Genomic context (GRCh38, chr11:9,839,561, plus strand): 5'-CGGCAGAGTGAATACATCCTGTTGGAGGCAGTAATTCTAAAATACTCGGGTCTTGAACGG[G>T]AAGAGCTGCCACTTATGGTTCCTAAACCTAAACGCTGATAGTCTCTGAAACAAGCTTTTT-3'
Protein context (NP_112224.1, residues 1121-1141): LGLGTISGSS[Ser1131Tyr]RSRPEYFRIT